The following is an entry in ClinVar:

NM_001199397.3(NEK1):c.396+1G>T

Gene: NEK1 (NIMA related kinase 1; minus strand). Cytogenetic location: 4q33.
Variant type: single nucleotide variant.
Coding change: c.396+1G>T on transcript NM_001199397.3 (MANE Select); the canonical splice donor site of the intron after coding-DNA position 396, G replaced by T.
Molecular consequence: splice donor variant.
Genome position (GRCh38, 1-based): chr4:169,590,725, C>A on the plus strand (G>T on the coding strand, the complement: NEK1 is on the minus strand). VCF-style: chr4-169590725-C-A. GRCh37 (hg19) VCF-style: chr4-170511876-C-A.
Other names: c.-226+1G>T (NM_001440625.1, NM_001440624.1); c.396+1G>T (NM_001374421.1, NM_001374420.1, NM_001199399.3 and 11 more transcripts).
Identifiers: ClinVar variation 4529553 (VCV004529553.1).
Genomic context (GRCh38, chr4:169,590,725, plus strand): 5'-AAAACAATGAAGGTTCCATGTCTTTATCCATTCAGAAGTTATCAGTGACAGAATAACATA[C>A]CTGAGATTTAATGTCTCGATGAAGAATTTTTCTATCATGTACATGTTTCAGGGCCAAACA-3'

ClinVar aggregate classification (germline): Likely pathogenic (1 of 4 stars; one submission).

gnomAD v4.1: 36 of 1,578,988 alleles (0.0023%); highest among the groups gnomAD compares: Non-Finnish European, 0.0031%; no homozygotes.

Submission:

GeneDx
Classification: Likely pathogenic. Last evaluated: 2025-05-14. Review status: criteria provided, single submitter. Criteria: GeneDx Variant Classification Process June 2021. Collection method: clinical testing. Allele origin: germline. Affected: yes.
Comment: Reported in association with Amyotrophic Lateral Sclerosis in the published literature (PMID: 40225153); Canonical splice site variant predicted to result in an in-frame loss of the adjacent exon in a gene for which loss of function is a known mechanism of disease; Not observed at significant frequency in large population cohorts (gnomAD); This variant is associated with the following publications: (PMID: 40225153)